The following is an entry in ClinVar:

ClinVar aggregate classification (germline): Uncertain significance (1 of 4 stars; one submission).

Submission:

CeGaT Center for Human Genetics Tuebingen
Classification: Uncertain significance. Last evaluated: 2023-04-01. Review status: criteria provided, single submitter. Criteria: CeGaT Center For Human Genetics Tuebingen Variant Classification Criteria Version 2. Collection method: clinical testing. Allele origin: germline. Affected: yes. Observed: 1 variant allele.
Comment: PAX8: PM2, PP4

NM_003466.4(PAX8):c.632A>G (p.Asp211Gly)

Genes: PAX8 (paired box 8; minus strand), PAX8-AS1 (PAX8 antisense RNA 1; plus strand), LOC126806316 (P300/CBP strongly-dependent group 1 enhancer GRCh37_chr2:113998497-113999696; plus strand). Cytogenetic location: 2q14.1.
Variant type: single nucleotide variant.
Coding change: c.632A>G on transcript NM_003466.4 (MANE Select); coding-DNA position 632, A replaced by G.
Protein change: p.Asp211Gly; replaces aspartic acid 211 with glycine.
Molecular consequence: missense variant.
Genome position (GRCh38, 1-based): chr2:113,241,696, T>C on the plus strand (A>G on the coding strand, the complement: PAX8 is on the minus strand). VCF-style: chr2-113241696-T-C. GRCh37 (hg19) VCF-style: chr2-113999273-T-C.
Other names: c.632A>G, p.Asp211Gly (NM_013952.4, NM_013953.4, NM_013992.4); short protein forms D211G.
Identifiers: ClinVar variation 2571082 (VCV002571082.27), dbSNP rs2466910711, ClinGen allele CA348301187.